The following is an entry in ClinVar:

ClinVar aggregate classification (germline): Pathogenic. Review status: criteria provided, multiple submitters, no conflicts (2 of 4 stars). 15 submissions from 14 submitters: Pathogenic (12). 3 of the submissions do not count toward it. Last evaluated 2025-12-05.

Conditions:
SLC25A13-related disorder. Also called: SLC25A13-related condition.
Citrullinemia, type II, adult-onset (CDAA). Also called: CITRIN DEFICIENCY, ADOLESCENT OR ADULT ONSET. Identifiers: Orphanet 247585, MedGen CN295299, MONDO:0011326, OMIM 603471.
Neonatal intrahepatic cholestasis due to citrin deficiency (CDNI). Also called: Neonatal-onset citrullinemia type II; Neonatal-onset citrullinemia type 2; CITRIN DEFICIENCY, NEONATAL OR INFANTILE ONSET; Neonatal Intrahepatic Cholestasis Caused by Citrin Deficiency (NICCD). Identifiers: Orphanet 247598, MedGen C1853942, MONDO:0011601, OMIM 605814.
Citrin deficiency. Identifiers: Orphanet 247582, MedGen C1997910, MONDO:0016602.
Citrullinemia type II. Also called: Citrullinemia Type II (CTLN2). Identifiers: Orphanet 247585, MedGen C1863844, MONDO:0016603.

Allele frequency attached by ClinVar (database versions not stated): ExAC 0.00009; gnomAD exomes 0.00009 and 0.00002; gnomAD 0.00001.

Submissions (15):

PreventionGenetics, part of Exact Sciences
Classification: Pathogenic for SLC25A13-related condition. Last evaluated: 2025-12-05. Review status: criteria provided, single submitter. Criteria: ACMG Guidelines, 2015. Collection method: clinical testing. Allele origin: germline.
Comment: The SLC25A13 c.1638_1660dup23 variant is predicted to result in a frameshift and premature protein termination (p.Ala554Glyfs*17). This variant has been reported in both the compound heterozygous and homozygous states in several pediatric individuals with citrin deficiency (Lin et al. 2016. PubMed ID: 27405544; Nguyen et al. 2023. PubMed ID: 36599957; Wang et al. 2019. PubMed ID: 31450232; Song et al. 2011. PubMed ID: 21424115) and individuals with adult-onset type II citrullinemia (Kobayashi et al. 1999. PubMed ID: 10369257). This variant is present in 0.12% of alleles in individuals of East Asian descent in gnomAD, indicating it is relatively common in this population. Frameshift variants in SLC25A13 are an established mechanism of disease. Given the evidence, we interpret this variant as pathogenic.

Labcorp Genetics (formerly Invitae), Labcorp
Classification: Pathogenic for Citrin deficiency. Last evaluated: 2024-11-04. Review status: criteria provided, single submitter. Criteria: Invitae Variant Classification Sherloc (09022015). Collection method: clinical testing. Allele origin: germline.
Comment: This sequence change creates a premature translational stop signal (p.Ala554Glyfs*17) in the SLC25A13 gene. It is expected to result in an absent or disrupted protein product. Loss-of-function variants in SLC25A13 are known to be pathogenic (PMID: 10369257, 14680984, 27405544). This variant is present in population databases (rs80338725, gnomAD 0.1%). This premature translational stop signal has been observed in individuals with SLC25A13-related conditions (PMID: 27405544). ClinVar contains an entry for this variant (Variation ID: 6003). For these reasons, this variant has been classified as Pathogenic.

Revvity Omics, Revvity
Classification: Pathogenic. Last evaluated: 2024-07-26. Review status: criteria provided, single submitter. Criteria: ACMG Guidelines, 2015. Collection method: clinical testing. Allele origin: germline.

Blueprint Genetics
Classification: Pathogenic for SLC25A13-related disorders. Last evaluated: 2024-06-07. Review status: criteria provided, single submitter. Criteria: ACMG Guidelines, 2015. Collection method: clinical testing. Allele origin: germline. Affected: yes. Observed: 3 variant alleles.

Baylor Genetics
Classification: Pathogenic for Citrullinemia, type II, adult-onset. Last evaluated: 2024-03-28. Review status: criteria provided, single submitter. Criteria: ACMG Guidelines, 2015. Collection method: clinical testing. Allele origin: unknown.

Fulgent Genetics
Classification: Pathogenic for Citrullinemia, type II, adult-onset; Neonatal intrahepatic cholestasis due to citrin deficiency. Last evaluated: 2023-12-28. Review status: criteria provided, single submitter. Criteria: ACMG Guidelines, 2015. Collection method: clinical testing. Allele origin: germline.

Women's Health and Genetics/Laboratory Corporation of America, LabCorp
Classification: Pathogenic for Citrullinemia type II. Last evaluated: 2023-02-24. Review status: criteria provided, single submitter. Criteria: LabCorp Variant Classification Summary - May 2015. Collection method: clinical testing. Allele origin: germline.
Comment: Variant summary: SLC25A13 c.1638_1660dup23 (p.Ala554GlyfsX17) results in a premature termination codon, predicted to cause a truncation of the encoded protein or absence of the protein due to nonsense mediated decay, which are commonly known mechanisms for disease. Truncations downstream of this position have been classified as pathogenic within ClinVar (e.g. c.1799dup [p.Tyr600Ter], c.1813C>T [p.Arg605Ter]). The variant allele was found at a frequency of 8.8e-05 in 251412 control chromosomes (gnomAD), predominantly at a frequency of 0.0012 within the East Asian subpopulation in the gnomAD database. This frequency is not significantly higher than estimated for a pathogenic variant in SLC25A13 causing Citrullinemia Type II (8.8e-05 vs 0.0012), allowing no conclusion about variant significance. c.1638_1660dup23 has been reported in the literature as a biallelic genotype in multiple individuals affected with Citrullinemia (e.g. Song_2011, Wang_2020). These data indicate that the variant is very likely to be associated with disease. To our knowledge, no experimental evidence demonstrating an impact on protein function has been reported. Four ClinVar submitters have assessed the variant since 2014: all four classified the variant as pathogenic. Based on the evidence outlined above, the variant was classified as pathogenic.

Mayo Clinic Laboratories, Mayo Clinic
Classification: Pathogenic. Last evaluated: 2022-08-11. Review status: criteria provided, single submitter. Criteria: ACMG Guidelines, 2015. Collection method: clinical testing. Allele origin: germline. Observed: 1 variant allele.
Comment: PM2, PM3_strong, PVS1

Genesolutions, Medical Genetics Institutes, Ho Chi Minh City, Vietnam
Classification: Pathogenic for Neonatal intrahepatic cholestasis due to citrin deficiency. Last evaluated: 2022-06-30. Review status: criteria provided, single submitter. Criteria: ACMG Guidelines, 2015. Collection method: clinical testing. Allele origin: germline. Affected: yes.

Eurofins Ntd Llc (ga)
Classification: Pathogenic. Last evaluated: 2016-11-18. Review status: criteria provided, single submitter. Criteria: EGL Classification Definitions 2015. Collection method: clinical testing. Allele origin: germline. Observed: 3 variant alleles, 3 heterozygotes.

Baylor Genetics
Classification: Pathogenic for Neonatal intrahepatic cholestasis due to citrin deficiency. Review status: criteria provided, single submitter. Criteria: ACMG Guidelines, 2015. Collection method: clinical testing. Allele origin: germline.

Juno Genomics, Hangzhou Juno Genomics, Inc
Classification: Pathogenic for Citrullinemia, type II, adult-onset; Neonatal intrahepatic cholestasis due to citrin deficiency. Review status: criteria provided, single submitter. Criteria: ACMG Guidelines, 2015. Collection method: clinical testing. Allele origin: germline.
Comment: Absent from controls (or at extremely low frequency if recessive) in Genome Aggregation Database.;Null variant in a gene where loss of function (LOF) is a known mechanism of disease.;For recessive disorders, detected in trans with a pathogenic variant.;Patient's phenotype or family history is highly specific for a disease with a single genetic etiology.

OMIM
Classification: Pathogenic for CITRIN DEFICIENCY, ADULT ONSET. Last evaluated: 1999-06-01. Review status: no assertion criteria provided. Collection method: literature only. Allele origin: germline. Not counted in ClinVar's aggregate classification.

GeneReviews
No classification provided. Condition: Citrullinemia, type II, adult-onset. Review status: no classification provided. Collection method: literature only. Allele origin: germline. Not counted in ClinVar's aggregate classification.

Neonatal Disease Screening Center, Medical Genetics Center, Huaihua City Maternal and Child Health Care Hospital
Classification: Pathogenic for Neonatal intrahepatic cholestasis due to citrin deficiency. Review status: no assertion criteria provided. Criteria: ACMG Guidelines, 2015. Collection method: clinical testing. Allele origin: germline. Affected: yes. Observed: 1 variant allele. Not counted in ClinVar's aggregate classification.
Comment: PVS1+PM3_VS+PP4

Literature cited by the submitters: PubMed 10369257 (cited by 4 submitters); PubMed 14680984 (cited by Labcorp Genetics (formerly Invitae), Labcorp); PubMed 27405544 (cited by Labcorp Genetics (formerly Invitae), Labcorp); PubMed 31450232 (cited by Women's Health and Genetics/Laboratory Corporation of America, LabCorp); PubMed 21424115 (cited by Women's Health and Genetics/Laboratory Corporation of America, LabCorp); PubMed 11432966 (cited by Mayo Clinic Laboratories, Mayo Clinic); PubMed 19413723 (cited by Mayo Clinic Laboratories, Mayo Clinic); PubMed 20927635 (cited by Mayo Clinic Laboratories, Mayo Clinic); PubMed 23067347 (cited by Mayo Clinic Laboratories, Mayo Clinic); PubMed 23901231 (cited by Mayo Clinic Laboratories, Mayo Clinic); PubMed 30098237 (cited by Mayo Clinic Laboratories, Mayo Clinic); PubMed 34295780 (cited by Mayo Clinic Laboratories, Mayo Clinic); PubMed 8105687 (cited by Mayo Clinic Laboratories, Mayo Clinic); PubMed 36599957 (cited by Genesolutions, Medical Genetics Institutes, Ho Chi Minh City, Vietnam); NCBI Bookshelf NBK1181 (cited by GeneReviews).

NM_014251.3(SLC25A13):c.1638_1660dup (p.Ala554fs)

Gene: SLC25A13 (solute carrier family 25 member 13; minus strand). Cytogenetic location: 7q21.3.
Variant type: Duplication.
Coding change: c.1638_1660dup on transcript NM_014251.3 (MANE Select); coding-DNA positions 1638 to 1660, 23 bases duplicated (GAGATTACAGGTGGCTGCCCGGG).
Protein change: p.Ala554fs; shifts the reading frame from alanine 554.
Molecular consequence: frameshift variant. On other transcripts: non-coding transcript variant (1).
Genome position (GRCh38, 1-based): chr7:96,121,929-96,121,951, CCCGGGCAGCCACCTGTAATCTC duplicated on the plus strand (GAGATTACAGGTGGCTGCCCGGG on the coding strand, the reverse complement: SLC25A13 is on the minus strand). VCF-style (leftmost placement, unchanged base first): chr7-96121928-G-GCCCGGGCAGCCACCTGTAATCTC. GRCh37 (hg19) VCF-style: chr7-95751240-G-GCCCGGGCAGCCACCTGTAATCTC.
Other names: 1638ins23; p.Ala554Glyfs*17; c.1641_1663dup, p.Ala555fs (NM_001160210.2); c.1638_1660dup23 (NM_014251.2); short protein forms A555fs, A554fs.
Identifiers: ClinVar variation 6003 (VCV000006003.60), dbSNP rs80338725, ClinGen allele CA340497.